The following is an entry in ClinVar:

NM_000535.7(PMS2):c.436A>G (p.Lys146Glu)

Gene: PMS2 (PMS1 homolog 2, mismatch repair system component; minus strand). Cytogenetic location: 7p22.1.
Variant type: single nucleotide variant.
Coding change: c.436A>G on transcript NM_000535.7 (MANE Select); coding-DNA position 436, A replaced by G.
Protein change: p.Lys146Glu; replaces lysine 146 with glutamic acid.
Molecular consequence: missense variant. On other transcripts: 5 prime UTR variant (2), non-coding transcript variant (1).
Genome position (GRCh38, 1-based): chr7:6,002,554, T>C on the plus strand (A>G on the coding strand, the complement: PMS2 is on the minus strand). VCF-style: chr7-6002554-T-C. GRCh37 (hg19) VCF-style: chr7-6042185-T-C.
Other names: c.31A>G, p.Lys11Glu (NM_001322003.2, NM_001322004.2, NM_001322005.2 and 3 more transcripts); c.436A>G, p.Lys146Glu (NM_001322006.2, NM_001322014.2); c.118A>G, p.Lys40Glu (NM_001322007.2, NM_001322008.2); c.-449A>G (NM_001322011.2, NM_001322012.2); c.127A>G, p.Lys43Glu (NM_001322015.2); short protein forms K146E, K43E, K40E, K11E.
Identifiers: ClinVar variation 971801 (VCV000971801.10), dbSNP rs1785215412, ClinGen allele CA366744353.

ClinVar aggregate classification (germline): Uncertain significance. Review status: criteria provided, multiple submitters, no conflicts (2 of 4 stars). 2 submissions from 2 submitters: Uncertain significance (2). Last evaluated 2025-03-04.

Conditions:
Hereditary nonpolyposis colorectal neoplasms. Identifiers: MedGen C0009405, MeSH D003123.
Hereditary cancer-predisposing syndrome. Also called: Neoplastic Syndromes, Hereditary; Hereditary Cancer Syndrome; Tumor predisposition; Hereditary neoplastic syndrome. Identifiers: Orphanet 140162, MedGen C0027672, MeSH D009386, MONDO:0015356.

Submissions (2):

Labcorp Genetics (formerly Invitae), Labcorp
Classification: Uncertain significance for Hereditary nonpolyposis colorectal neoplasms. Last evaluated: 2025-03-04. Review status: criteria provided, single submitter. Criteria: Invitae Variant Classification Sherloc (09022015). Collection method: clinical testing. Allele origin: germline.
Comment: This sequence change replaces lysine, which is basic and polar, with glutamic acid, which is acidic and polar, at codon 146 of the PMS2 protein (p.Lys146Glu). This variant is not present in population databases (gnomAD no frequency). This variant has not been reported in the literature in individuals affected with PMS2-related conditions. ClinVar contains an entry for this variant (Variation ID: 971801). Invitae Evidence Modeling incorporating data from in vitro experimental studies (internal data) indicates that this missense variant is not expected to disrupt PMS2 function with a negative predictive value of 95%. In summary, the available evidence is currently insufficient to determine the role of this variant in disease. Therefore, it has been classified as a Variant of Uncertain Significance.

Ambry Genetics
Classification: Uncertain significance for Hereditary cancer-predisposing syndrome. Last evaluated: 2023-09-22. Review status: criteria provided, single submitter. Criteria: Ambry Variant Classification Scheme 2023. Collection method: clinical testing. Allele origin: germline.
Comment: The p.K146E variant (also known as c.436A>G), located in coding exon 5 of the PMS2 gene, results from an A to G substitution at nucleotide position 436. The lysine at codon 146 is replaced by glutamic acid, an amino acid with similar properties. This amino acid position is conserved. In addition, the in silico prediction for this alteration is inconclusive. Since supporting evidence is limited at this time, the clinical significance of this alteration remains unclear.